The following is an entry in ClinVar:

NM_002025.4(AFF2):c.1309G>C (p.Glu437Gln)

Gene: AFF2 (ALF transcription elongation factor 2; plus strand). Cytogenetic location: Xq28.
Variant type: single nucleotide variant.
Coding change: c.1309G>C on transcript NM_002025.4 (MANE Select); coding-DNA position 1309, G replaced by C.
Protein change: p.Glu437Gln; replaces glutamic acid 437 with glutamine.
Molecular consequence: missense variant.
Genome position (GRCh38, 1-based): chrX:148,885,935, G>C. VCF-style: chrX-148885935-G-C. GRCh37 (hg19) VCF-style: chrX-147967465-G-C.
Other names: c.1210G>C, p.Glu404Gln (NM_001169122.2); c.1279G>C, p.Glu427Gln (NM_001169123.2); c.1204G>C, p.Glu402Gln (NM_001169124.2); c.1192G>C, p.Glu398Gln (NM_001169125.2); c.232G>C, p.Glu78Gln (NM_001170628.1); short protein forms E398Q, E402Q, E404Q, E427Q, E437Q, E78Q.
Identifiers: ClinVar variation 2446606 (VCV002446606.4), dbSNP rs1365198389, ClinGen allele CA414511431.
Genomic context (GRCh38, chrX:148,885,935, plus strand): 5'-TGATCTCTTTGTAGGATGCTTGAGGATGACCTGAAGCTGAGCAGTGATGAAGATGACCTT[G>C]AGCCTGTGAAGACCTTGACCACTCAGTGCACTGCCACTGAGCTCTACCAGGTTAGAAGAG-3'
Protein context (NP_002016.2, residues 427-447): LKLSSDEDDL[Glu437Gln]PVKTLTTQCT

ClinVar aggregate classification (germline): Uncertain significance (1 of 4 stars; one submission).

Allele frequency attached by ClinVar (database versions not stated): gnomAD exomes below 0.00001; gnomAD 0.00006; TOPMed 0.00006.
gnomAD v4.1: 10 of 1,208,716 alleles (0.00083%); highest among the groups gnomAD compares: African/African-American, 0.012%; no homozygotes.

Submission:

GeneDx
Classification: Uncertain significance. Last evaluated: 2025-04-18. Review status: criteria provided, single submitter. Criteria: GeneDx Variant Classification Process June 2021. Collection method: clinical testing. Allele origin: germline. Affected: yes.
Comment: In silico analysis indicates that this missense variant does not alter protein structure/function; Has not been previously published as pathogenic or benign to our knowledge